The following is an entry in ClinVar:

NM_006642.5(SDCCAG8):c.2021C>G (p.Ala674Gly)

Genes: AKT3 (AKT serine/threonine kinase 3; minus strand), SDCCAG8 (SHH signaling and ciliogenesis regulator SDCCAG8; plus strand). Cytogenetic location: 1q43.
Variant type: single nucleotide variant.
Coding change: c.2021C>G on transcript NM_006642.5 (MANE Select); coding-DNA position 2021, C replaced by G.
Protein change: p.Ala674Gly; replaces alanine 674 with glycine.
Molecular consequence: missense variant. On other transcripts: intron variant (1).
Genome position (GRCh38, 1-based): chr1:243,489,049, C>G. VCF-style: chr1-243489049-C-G. GRCh37 (hg19) VCF-style: chr1-243652351-C-G.
Other names: c.1118C>G, p.Ala373Gly (NM_001350246.2, NM_001350247.2, NM_001350251.2); c.2117C>G, p.Ala706Gly (NM_001350248.2); c.1727C>G, p.Ala576Gly (NM_001350249.2); c.*7-599G>C (NM_181690.2); short protein forms A373G, A576G, A674G, A706G.
Identifiers: ClinVar variation 3355004 (VCV003355004.1).
Genomic context (GRCh38, chr1:243,489,049, plus strand): 5'-AATTCTGCGGTGGATTTTTCTCCAGGCTAAGGCAGCTGGATAAGCACAGCCAGGCCACAG[C>G]CCAGCAGCTGGTGCAGCTCCTCAGCAAGCAGAACCAGCTTCTCCTGGAGAGGCAGAGCCT-3'
Protein context (NP_006633.1, residues 664-684): RQLDKHSQAT[Ala674Gly]QQLVQLLSKQ

ClinVar aggregate classification (germline): Uncertain significance (0 of 4 stars; one submission).

Conditions:
SDCCAG8-related disorder. Also called: SDCCAG8-related condition; SDCCAG8-Related Disorders.

Submission:

PreventionGenetics, part of Exact Sciences
Classification: Uncertain significance for SDCCAG8-related condition. Last evaluated: 2024-08-07. Review status: no assertion criteria provided. Collection method: clinical testing. Allele origin: germline.
Comment: The SDCCAG8 c.2021C>G variant is predicted to result in the amino acid substitution p.Ala674Gly. To our knowledge, this variant has not been reported in the literature or in a large population database, indicating this variant is rare. At this time, the clinical significance of this variant is uncertain due to the absence of conclusive functional and genetic evidence.